The following is an entry in ClinVar:

NM_172245.4(CSF2RA):c.700C>A (p.Leu234Ile)

Gene: CSF2RA (colony stimulating factor 2 receptor subunit alpha; plus strand). Cytogenetic location: Xp22.33.
Variant type: single nucleotide variant.
Coding change: c.700C>A on transcript NM_172245.4 (MANE Select); coding-DNA position 700, C replaced by A.
Protein change: p.Leu234Ile; replaces leucine 234 with isoleucine.
Molecular consequence: missense variant. On other transcripts: synonymous variant (1), non-coding transcript variant (1), intron variant (1).
Genome position (GRCh38, 1-based): chrX:1,294,381, C>A. VCF-style: chrX-1294381-C-A. GRCh37 (hg19) VCF-style: chrX-1413274-C-A.
Other names: c.700C>A, p.Leu234Ile (NM_001161529.2, NM_001161530.2, NM_001161531.2 and 18 more transcripts); c.301C>A, p.Leu101Ile (NM_001161532.2); c.681C>A, p.Ala227= (NM_001379166.1); c.646+3872C>A (NM_172249.4); short protein forms L234I, L101I.
Identifiers: ClinVar variation 1425560 (VCV001425560.8), dbSNP rs779711299, ClinGen allele CA2468501546.

ClinVar aggregate classification (germline): Uncertain significance (1 of 4 stars; one submission).

Conditions:
Surfactant metabolism dysfunction, pulmonary, 4 (SMDP4). Also called: CSF2RA DEFICIENCY; PULMONARY ALVEOLAR PROTEINOSIS, CONGENITAL, 4; PAP DUE TO CSF2RA DEFICIENCY. Identifiers: Orphanet 264675, MedGen C2677877, MONDO:0010424, OMIM 300770.

Allele frequency attached by ClinVar (database versions not stated): TOPMed below 0.00001; gnomAD exomes 0.00001; ExAC 0.00002.
gnomAD v4.1: 5 of 1,613,902 alleles (0.00031%); highest among the groups gnomAD compares: Non-Finnish European, 0.00042%; no homozygotes.

Submission:

Labcorp Genetics (formerly Invitae), Labcorp
Classification: Uncertain significance for Surfactant metabolism dysfunction, pulmonary, 4. Last evaluated: 2020-10-30. Review status: criteria provided, single submitter. Criteria: Invitae Variant Classification Sherloc (09022015). Collection method: clinical testing. Allele origin: germline.
Comment: In summary, the available evidence is currently insufficient to determine the role of this variant in disease. Therefore, it has been classified as a Variant of Uncertain Significance. Algorithms developed to predict the effect of missense changes on protein structure and function (SIFT, PolyPhen-2, Align-GVGD) all suggest that this variant is likely to be tolerated, but these predictions have not been confirmed by published functional studies and their clinical significance is uncertain. This variant has not been reported in the literature in individuals with CSF2RA-related conditions. This variant is present in population databases (no rsID available, ExAC 0.004%). This sequence change replaces leucine with isoleucine at codon 234 of the CSF2RA protein (p.Leu234Ile). The leucine residue is moderately conserved and there is a small physicochemical difference between leucine and isoleucine.